The following is an entry in ClinVar:

NM_006392.4(NOP56):c.1357C>T (p.Arg453Trp)

Gene: NOP56 (NOP56 ribonucleoprotein; plus strand). Cytogenetic location: 20p13.
Variant type: single nucleotide variant.
Coding change: c.1357C>T on transcript NM_006392.4 (MANE Select); coding-DNA position 1357, C replaced by T.
Protein change: p.Arg453Trp; replaces arginine 453 with tryptophan.
Molecular consequence: missense variant. On other transcripts: non-coding transcript variant (2).
Genome position (GRCh38, 1-based): chr20:2,657,156, C>T. VCF-style: chr20-2657156-C-T. GRCh37 (hg19) VCF-style: chr20-2637802-C-T.
Other names: short protein forms R453W.
Identifiers: ClinVar variation 1050721 (VCV001050721.9), dbSNP rs183494902, ClinGen allele CA9734814.
Genomic context (GRCh38, chr20:2,657,156, plus strand): 5'-GCTGAGATTACTAGGAAGCTGGAGAAACAGGAGAAGAAACGCTTAAAGAAGGAAAAGAAA[C>T]GGCTGGCTGCACTTGCCCTCGCGTCTTCAGAAAACAGCAGTAGTACTCCAGAGGAGTGTG-3'
Protein context (NP_006383.2, residues 443-463): EKKRLKKEKK[Arg453Trp]LAALALASSE

ClinVar aggregate classification (germline): Likely benign. Review status: criteria provided, single submitter (1 of 4 stars). 2 submissions from 2 submitters: Likely benign (1). 1 of the submissions does not count toward it. Last evaluated 2025-08-01.

Allele frequency attached by ClinVar (database versions not stated): gnomAD exomes 0.00004; ExAC 0.00008; 1000 Genomes Project 30x 0.00016; 1000 Genomes Project 0.00020; gnomAD 0.00024 and 0.00026; TOPMed 0.00031; ESP Exome Variant Server 0.00046.
gnomAD v4.1: 96 of 1,614,126 alleles (0.0059%); highest among the groups gnomAD compares: African/African-American, 0.081%; no homozygotes.

Submissions (2):

CeGaT Center for Human Genetics Tuebingen
Classification: Likely benign. Last evaluated: 2025-08-01. Review status: criteria provided, single submitter. Criteria: CeGaT Center For Human Genetics Tuebingen Variant Classification Criteria Version 2. Collection method: clinical testing. Allele origin: germline. Affected: yes. Observed: 1 variant allele.
Comment: NOP56: BP4

Department of Pathology and Laboratory Medicine, Sinai Health System
Classification: Uncertain significance. Review status: no assertion criteria provided. Collection method: clinical testing. Allele origin: unknown. Affected: yes. Study: The Canadian Open Genetics Repository (COGR). Not counted in ClinVar's aggregate classification.
Comment: The NOP56 p.Arg453Trp variant was not identified in the literature nor was it identified in ClinVar or Cosmic. The variant was identified in dbSNP (ID: rs183494902), LOVD 3.0 and in control databases in 19 of 282530 chromosomes at a frequency of 0.000067 (Genome Aggregation Database Feb 27, 2017). The variant was observed in the following populations: African in 18 of 24940 chromosomes (freq: 0.000722) and European (non-Finnish) in 1 of 128924 chromosomes (freq: 0.000008), while the variant was not observed in the Latino, Ashkenazi Jewish, East Asian, European (Finnish), Other, and South Asian populations. The p.Arg453 residue is conserved in mammals but not in more distantly related organisms, and four out of five computational analyses (PolyPhen-2, SIFT, BLOSUM, MutationTaster) suggest that the variant may impact the protein; however, this information is not predictive enough to assume pathogenicity. The variant occurs outside of the splicing consensus sequence and in silico or computational prediction software programs (SpliceSiteFinder, MaxEntScan, NNSPLICE, GeneSplicer) do not predict a difference in splicing. In summary, based on the above information the clinical significance of this variant cannot be determined with certainty at this time. This variant is classified as a variant of uncertain significance.